The following is an entry in ClinVar:

ClinVar aggregate classification (germline): Conflicting classifications of pathogenicity. Review status: criteria provided, conflicting classifications (1 of 4 stars). 6 submissions from 5 submitters: Uncertain significance (4); Likely benign (2). Last evaluated 2026-01-12.

Conditions:
Hereditary cancer-predisposing syndrome. Also called: Hereditary Cancer Syndrome; Neoplastic Syndromes, Hereditary; Tumor predisposition; Hereditary neoplastic syndrome. Identifiers: Orphanet 140162, MedGen C0027672, MeSH D009386, MONDO:0015356.
Cardiovascular phenotype. Identifiers: MedGen CN230736.
Café-au-lait macules with pulmonary stenosis (WTSN). Also called: PULMONIC STENOSIS WITH CAFE-AU-LAIT SPOTS. Identifiers: MedGen C0553586, MONDO:0008672, OMIM 193520.
Juvenile myelomonocytic leukemia (JMML). Also called: LEUKEMIA, JUVENILE MYELOMONOCYTIC, SOMATIC. Identifiers: Orphanet 86834, MedGen C0349639, MONDO:0011908, OMIM 607785, HP:0012209.
Neurofibromatosis-Noonan syndrome (NFNS). Also called: NEUROFIBROMATOSIS WITH NOONAN PHENOTYPE. Identifiers: Orphanet 638, MedGen C2931482, MONDO:0011035, OMIM 601321. Disease mechanism: loss of function.
Neurofibromatosis, familial spinal (FSNF). Identifiers: Orphanet 636, MedGen C1834235, MONDO:0008078, OMIM 162210. Disease mechanism: loss of function.
Neurofibromatosis, type 1 (NF1). Also called: Neurofibromatosis, type I; VON RECKLINGHAUSEN DISEASE; NEUROFIBROMATOSIS, TYPE I, SOMATIC; Peripheral type neurofibromatosis. Identifiers: Orphanet 636, MedGen C0027831, MONDO:0018975, OMIM 162200. Disease mechanism: loss of function.

Allele frequency attached by ClinVar (database versions not stated): gnomAD exomes below 0.00001; ExAC 0.00001; gnomAD 0.00001; TOPMed 0.00001; ESP Exome Variant Server 0.00008.
gnomAD v4.1: 5 of 1,606,238 alleles (0.00031%); highest among the groups gnomAD compares: Admixed American, 0.0017%; no homozygotes.

Submissions (7):

Labcorp Genetics (formerly Invitae), Labcorp
Classification: Likely benign for Neurofibromatosis, type 1. Last evaluated: 2026-01-12. Review status: criteria provided, single submitter. Criteria: Invitae Variant Classification Sherloc (09022015). Collection method: clinical testing. Allele origin: germline.

Fulgent Genetics
Classification: Uncertain significance for Neurofibromatosis, type 1; Neurofibromatosis, familial spinal; Café-au-lait macules with pulmonary stenosis; Neurofibromatosis-Noonan syndrome; Juvenile myelomonocytic leukemia. Last evaluated: 2024-01-05. Review status: criteria provided, single submitter. Criteria: ACMG Guidelines, 2015. Collection method: clinical testing. Allele origin: germline.

Baylor Genetics
Classification: Uncertain significance for Juvenile myelomonocytic leukemia. Last evaluated: 2023-08-25. Review status: criteria provided, single submitter. Criteria: ACMG Guidelines, 2015. Collection method: clinical testing. Allele origin: unknown.

Ambry Genetics
Classification: Likely benign for Cardiovascular phenotype; Hereditary cancer-predisposing syndrome. Last evaluated: 2023-06-14. Review status: criteria provided, single submitter. Criteria: Ambry Variant Classification Scheme 2023. Collection method: clinical testing. Allele origin: germline.

GeneDx
Classification: Uncertain significance. Last evaluated: 2021-12-08. Review status: criteria provided, single submitter. Criteria: GeneDx Variant Classification Process June 2021. Collection method: clinical testing. Allele origin: germline. Affected: yes.
Comment: In silico analysis supports that this missense variant does not alter protein structure/function; Has not been previously published as pathogenic or benign to our knowledge; This variant is associated with the following publications: (PMID: 28481359, 25486365)

Ambry Genetics
Classification: Uncertain significance for Hereditary cancer-predisposing syndrome. Last evaluated: 2015-09-05. Review status: criteria provided, single submitter. Criteria: Ambry Autosomal Dominant and X-Linked criteria (10/2015). Collection method: clinical testing. Allele origin: germline. Observed: 1 variant allele.
Comment: The p.Q554H variant (also known as c.1662G>T), located in coding exon 15 of the NF1 gene, results from a G to T substitution at nucleotide position 1662. The glutamine at codon 554 is replaced by histidine, an amino acid with highly similar properties. This variant was previously reported in the SNPDatabase as rs147594815. Based on data from the NHLBI Exome Sequencing Project (ESP), the T allele has an overall frequency of approximately 0.01% (1/12996) total alleles studied and 0.01% (1/8592) European American alleles. To date, this alteration has been detected with an allele frequency of approximately 0.003% (greater than 30000 alleles tested) in our clinical cohort. This amino acid position is highly conserved in available vertebrate species.In addition, the in silico prediction for this alteration is inconclusive.Since supporting evidence for this variant is limited at this time, the clinical significance of p.Q554Hremains unclear.

Dr. Peter K. Rogan Lab, Western University
No classification provided (evidence only). Condition: Clear cell carcinoma of kidney. Review status: no classification provided. Collection method: in vitro. Allele origin: not applicable. Functional consequence: retained intron. Not counted in ClinVar's aggregate classification.

NM_001042492.3(NF1):c.1662G>T (p.Gln554His)

Gene: NF1 (neurofibromin 1; plus strand). Cytogenetic location: 17q11.2.
Variant type: single nucleotide variant.
Coding change: c.1662G>T on transcript NM_001042492.3 (MANE Select); coding-DNA position 1662, G replaced by T.
Protein change: p.Gln554His; replaces glutamine 554 with histidine.
Molecular consequence: missense variant.
Genome position (GRCh38, 1-based): chr17:31,221,870, G>T. VCF-style: chr17-31221870-G-T. GRCh37 (hg19) VCF-style: chr17-29548888-G-T.
Other names: c.1662G>T, p.Gln554His (NM_000267.4, NM_001128147.3); short protein forms Q554H.
Identifiers: ClinVar variation 231024 (VCV000231024.19), dbSNP rs147594815, ClinGen allele CA8485823.
Genomic context (GRCh38, chr17:31,221,870, plus strand): 5'-TGAGTCTTCTCTTTGTCTTTCTCTTTTTTAAAAAATTCAGGCTCTGCTGGTTCTTCATCA[G>T]TTAGATAGCATTGATTTGTGGAATCCTGATGCTCCTGTAGAAACATTTTGGGAGATTAGG-3'
Protein context (NP_001035957.1, residues 544-564): EAMEALLVLH[Gln554His]LDSIDLWNPD